The following is an entry in ClinVar:

ClinVar aggregate classification (germline): Benign (1 of 4 stars; one submission).

Allele frequency attached by ClinVar (database versions not stated): TOPMed 0.43393; 1000 Genomes Project 30x 0.54341; gnomAD 0.40226 and 0.40413; 1000 Genomes Project 0.54872.

Submission:

GeneDx
Classification: Benign. Last evaluated: 2018-06-18. Review status: criteria provided, single submitter. Criteria: GeneDx Variant Classification (06012015). Collection method: clinical testing. Allele origin: germline. Affected: yes.
Comment: This variant is considered likely benign or benign based on one or more of the following criteria: it is a conservative change, it occurs at a poorly conserved position in the protein, it is predicted to be benign by multiple in silico algorithms, and/or has population frequency not consistent with disease.

NM_130468.3(CHST14):c.-571T>C

Gene: CHST14 (carbohydrate sulfotransferase 14; plus strand). Cytogenetic location: 15q15.1.
Variant type: single nucleotide variant.
Coding change: c.-571T>C on transcript NM_130468.3; 571 bases upstream of the start codon, T replaced by C.
Genome position (GRCh38, 1-based): chr15:40,470,643, T>C. VCF-style: chr15-40470643-T-C. GRCh37 (hg19) VCF-style: chr15-40762842-T-C.
Identifiers: ClinVar variation 683321 (VCV000683321.3), dbSNP rs633295, ClinGen allele CA14158882.